The following is an entry in ClinVar:

NM_005918.4(MDH2):c.883G>A (p.Gly295Arg)

Gene: MDH2 (malate dehydrogenase 2; plus strand). Cytogenetic location: 7q11.23.
Variant type: single nucleotide variant.
Coding change: c.883G>A on transcript NM_005918.4 (MANE Select); coding-DNA position 883, G replaced by A.
Protein change: p.Gly295Arg; replaces glycine 295 with arginine.
Molecular consequence: missense variant.
Genome position (GRCh38, 1-based): chr7:76,064,951, G>A. VCF-style: chr7-76064951-G-A. GRCh37 (hg19) VCF-style: chr7-75694269-G-A.
Other names: c.757G>A, p.Gly253Arg (NM_001282403.2); c.562G>A, p.Gly188Arg (NM_001282404.2); short protein forms G188R, G253R, G295R.
Identifiers: ClinVar variation 1764843 (VCV001764843.2), dbSNP rs781800985, ClinGen allele CA4305735.
Genomic context (GRCh38, chr7:76,064,951, plus strand): 5'-TGTTCCTTCGTTAAGTCACAGGAAACGGAATGTACCTACTTCTCCACACCGCTGCTGCTT[G>A]GGGTACGTATCCAGGCGTGGGTCCTTCTGACTGTGGAATAAGGGGGCGTTCCCTTTGCTT-3'
Protein context (NP_005909.2, residues 285-305): CTYFSTPLLL[Gly295Arg]KKGIEKNLGI

ClinVar aggregate classification (germline): Uncertain significance (1 of 4 stars; one submission).

Conditions:
Inborn genetic diseases. Identifiers: MedGen C0950123, MeSH D030342.

Allele frequency attached by ClinVar (database versions not stated): gnomAD exomes below 0.00001; ExAC 0.00001.

Submission:

Ambry Genetics
Classification: Uncertain significance for Inborn genetic diseases. Last evaluated: 2021-08-28. Review status: criteria provided, single submitter. Criteria: Ambry Variant Classification Scheme 2023. Collection method: clinical testing. Allele origin: germline.
Comment: The p.G295R variant (also known as c.883G>A), located in coding exon 8 of the MDH2 gene, results from a G to A substitution at nucleotide position 883. The glycine at codon 295 is replaced by arginine, an amino acid with dissimilar properties. This amino acid position is conserved. In addition, this alteration is predicted to be deleterious by in silico analysis. Since supporting evidence is limited at this time, the clinical significance of this alteration remains unclear.